The following is an entry in ClinVar:

NM_001040108.2(MLH3):c.2304G>A (p.Leu768=)

Gene: MLH3 (mutL homolog 3; minus strand). Cytogenetic location: 14q24.3.
Variant type: single nucleotide variant.
Coding change: c.2304G>A on transcript NM_001040108.2 (MANE Select); coding-DNA position 2304, G replaced by A.
Protein change: p.Leu768=; no amino-acid change (leucine 768 retained).
Molecular consequence: synonymous variant.
Genome position (GRCh38, 1-based): chr14:75,047,352, C>T on the plus strand (G>A on the coding strand, the complement: MLH3 is on the minus strand). VCF-style: chr14-75047352-C-T. GRCh37 (hg19) VCF-style: chr14-75514055-C-T.
Other names: c.2304G>A, p.Leu768= (NM_014381.3).
Identifiers: ClinVar variation 4875937 (VCV004875937.1).

ClinVar aggregate classification (germline): Benign (1 of 4 stars; one submission).

Conditions:
Colorectal cancer, hereditary nonpolyposis, type 7. Identifiers: Orphanet 144, MedGen C1858380, MONDO:0013725, OMIM 614385.

Submission:

Myriad Genetics, Inc.
Classification: Benign for Colorectal cancer, hereditary nonpolyposis, type 7. Last evaluated: 2026-05-04. Review status: criteria provided, single submitter. Criteria: Myriad Autosomal Dominant, Autosomal Recessive and X-Linked Classification Criteria (2023). Collection method: clinical testing. Allele origin: unknown.
Comment: This variant is considered benign. This variant is a silent/synonymous amino acid change and it is not expected to impact splicing.